The following is an entry in ClinVar:

NM_001267550.2(TTN):c.69412+6T>C

Genes: TTN-AS1 (TTN antisense RNA 1; plus strand), TTN (titin; minus strand). Cytogenetic location: 2q31.2.
Variant type: single nucleotide variant.
Coding change: c.69412+6T>C on transcript NM_001267550.2 (MANE Select); 6 bases into the intron after coding-DNA position 69412, T replaced by C.
Molecular consequence: intron variant.
Genome position (GRCh38, 1-based): chr2:178,576,917, A>G on the plus strand (T>C on the coding strand, the complement: TTN is on the minus strand). VCF-style: chr2-178576917-A-G. GRCh37 (hg19) VCF-style: chr2-179441644-A-G.
Other names: c.42217+6T>C (NM_003319.4); c.42793+6T>C (NM_133437.4); c.42592+6T>C (NM_133432.3); c.61708+6T>C (NM_133378.4); c.64489+6T>C (NM_001256850.1).
Identifiers: ClinVar variation 4785157 (VCV004785157.1).

ClinVar aggregate classification (germline): Uncertain significance (1 of 4 stars; one submission).

Conditions:
Autosomal recessive limb-girdle muscular dystrophy type 2J (LGMDR10). Also called: Limb-girdle muscular dystrophy, type 2J; MUSCULAR DYSTROPHY, LIMB-GIRDLE, AUTOSOMAL RECESSIVE 10. Identifiers: Orphanet 140922, MedGen C1837342, MONDO:0012127, OMIM 608807.
Dilated cardiomyopathy 1G (CMD1G). Identifiers: Orphanet 154, MedGen C1858763, MONDO:0011400, OMIM 604145.

Submission:

Labcorp Genetics (formerly Invitae), Labcorp
Classification: Uncertain significance for Dilated cardiomyopathy 1G; Autosomal recessive limb-girdle muscular dystrophy type 2J. Last evaluated: 2025-06-02. Review status: criteria provided, single submitter. Criteria: Invitae Variant Classification Sherloc (09022015). Collection method: clinical testing. Allele origin: germline.
Comment: This sequence change falls in intron 324 of the TTN gene. It does not directly change the encoded amino acid sequence of the TTN protein. It affects a nucleotide within the consensus splice site. This variant is not present in population databases (gnomAD no frequency). This variant has not been reported in the literature in individuals affected with TTN-related conditions. Variants that disrupt the consensus splice site are a relatively common cause of aberrant splicing (PMID: 17576681, 9536098). Algorithms developed to predict the effect of sequence changes on RNA splicing suggest that this variant may disrupt the consensus splice site. In summary, the available evidence is currently insufficient to determine the role of this variant in disease. Therefore, it has been classified as a Variant of Uncertain Significance.

Literature cited by the submitters: PubMed 17576681; PubMed 9536098.